The following is an entry in ClinVar:

NM_016030.6(TRAPPC12):c.901A>G (p.Ser301Gly)

Gene: TRAPPC12 (trafficking protein particle complex subunit 12; plus strand). Cytogenetic location: 2p25.3.
Variant type: single nucleotide variant.
Coding change: c.901A>G on transcript NM_016030.6 (MANE Select); coding-DNA position 901, A replaced by G.
Protein change: p.Ser301Gly; replaces serine 301 with glycine.
Molecular consequence: missense variant.
Genome position (GRCh38, 1-based): chr2:3,388,524, A>G. VCF-style: chr2-3388524-A-G. GRCh37 (hg19) VCF-style: chr2-3392295-A-G.
Other names: c.901A>G, p.Ser301Gly (NM_001321102.2); short protein forms S301G.
Identifiers: ClinVar variation 1252377 (VCV001252377.17), dbSNP rs11686212, ClinGen allele CA1515215.

ClinVar aggregate classification (germline): Benign. Review status: criteria provided, multiple submitters, no conflicts (2 of 4 stars). 6 submissions from 6 submitters: Benign (5). 1 of the submissions does not count toward it. Last evaluated 2026-02-03.

Conditions:
Early-onset progressive encephalopathy-hearing loss-pons hypoplasia-brain atrophy syndrome. Also called: ENCEPHALOPATHY, PROGRESSIVE, EARLY-ONSET, WITH BRAIN ATROPHY AND SPASTICITY. Identifiers: Orphanet 500144, MedGen C5567229, MONDO:0044696, OMIM 617669.
TRAPPC12-related disorder. Also called: TRAPPC12-related condition.

Allele frequency attached by ClinVar (database versions not stated): gnomAD exomes 0.38650 and 0.40605; ESP Exome Variant Server 0.38721; gnomAD 0.39295 and 0.39756; TOPMed 0.39649; ExAC 0.41442; 1000 Genomes Project 30x 0.46252; 1000 Genomes Project 0.46785.
gnomAD v4.1: 626,574 of 1,612,426 alleles (39%); highest among the groups gnomAD compares: East Asian, 61%; 125,037 homozygotes.

Submissions (6):

Labcorp Genetics (formerly Invitae), Labcorp
Classification: Benign. Last evaluated: 2026-02-03. Review status: criteria provided, single submitter. Criteria: Invitae Variant Classification Sherloc (09022015). Collection method: clinical testing. Allele origin: germline.

Blueprint Genetics
Classification: Benign. Last evaluated: 2024-11-26. Review status: criteria provided, single submitter. Criteria: ACMG Guidelines, 2015. Collection method: clinical testing. Allele origin: germline.

Genome-Nilou Lab
Classification: Benign for Early-onset progressive encephalopathy-hearing loss-pons hypoplasia-brain atrophy syndrome. Last evaluated: 2021-09-10. Review status: criteria provided, single submitter. Criteria: ACMG Guidelines, 2015. Collection method: clinical testing. Allele origin: germline. Affected: no.

GeneDx
Classification: Benign. Last evaluated: 2021-05-10. Review status: criteria provided, single submitter. Criteria: GeneDx Variant Classification Process June 2021. Collection method: clinical testing. Allele origin: germline. Affected: yes.

Breakthrough Genomics
Classification: Benign. Review status: criteria provided, single submitter. Criteria: ACMG Guidelines, 2015. Collection method: not provided. Allele origin: germline. Inheritance: Autosomal recessive inheritance. Affected: yes.

PreventionGenetics, part of Exact Sciences
Classification: Benign for TRAPPC12-related condition. Last evaluated: 2019-10-16. Review status: no assertion criteria provided. Collection method: clinical testing. Allele origin: germline. Not counted in ClinVar's aggregate classification.
Comment: This variant is classified as benign based on ACMG/AMP sequence variant interpretation guidelines (Richards et al. 2015 PMID: 25741868, with internal and published modifications).